The following is an entry in ClinVar:

ClinVar aggregate classification (germline): Uncertain significance. Review status: criteria provided, multiple submitters, no conflicts (2 of 4 stars). 3 submissions from 3 submitters: Uncertain significance (3). Last evaluated 2025-10-13.

Conditions:
Combined oxidative phosphorylation defect type 27. Also called: Combined oxidative phosphorylation deficiency 27. Identifiers: Orphanet 477774, MedGen C5567608, MONDO:0014728, OMIM 616672.
Inborn genetic diseases. Identifiers: MedGen C0950123, MeSH D030342.

Allele frequency attached by ClinVar (database versions not stated): gnomAD 0.00001; gnomAD exomes 0.00004; TOPMed 0.00004; ExAC 0.00007; ESP Exome Variant Server 0.00008; 1000 Genomes Project 30x 0.00016; 1000 Genomes Project 0.00020.
gnomAD v4.1: 37 of 1,580,436 alleles (0.0023%); highest among the groups gnomAD compares: Middle Eastern, 0.017%; no homozygotes.

Submissions (3):

GeneDx
Classification: Uncertain significance. Last evaluated: 2025-10-13. Review status: criteria provided, single submitter. Criteria: GeneDx Variant Classification Process June 2021. Collection method: clinical testing. Allele origin: germline. Affected: yes.
Comment: Not observed at significant frequency in large population cohorts (gnomAD); In silico analysis supports that this missense variant has a deleterious effect on protein structure/function; Has not been previously published as pathogenic or benign to our knowledge

Ambry Genetics
Classification: Uncertain significance for Inborn genetic diseases. Last evaluated: 2025-02-06. Review status: criteria provided, single submitter. Criteria: Ambry Variant Classification Scheme 2023. Collection method: clinical testing. Allele origin: germline.

Labcorp Genetics (formerly Invitae), Labcorp
Classification: Uncertain significance for Combined oxidative phosphorylation defect type 27. Last evaluated: 2022-10-13. Review status: criteria provided, single submitter. Criteria: Invitae Variant Classification Sherloc (09022015). Collection method: clinical testing. Allele origin: germline.
Comment: In summary, the available evidence is currently insufficient to determine the role of this variant in disease. Therefore, it has been classified as a Variant of Uncertain Significance. Algorithms developed to predict the effect of missense changes on protein structure and function are either unavailable or do not agree on the potential impact of this missense change (SIFT: "Deleterious"; PolyPhen-2: "Possibly Damaging"; Align-GVGD: "Class C0"). ClinVar contains an entry for this variant (Variation ID: 567287). This variant has not been reported in the literature in individuals affected with CARS2-related conditions. The frequency data for this variant in the population databases is considered unreliable, as metrics indicate poor data quality at this position in the gnomAD database. This sequence change replaces arginine, which is basic and polar, with tryptophan, which is neutral and slightly polar, at codon 513 of the CARS2 protein (p.Arg513Trp).

NM_024537.4(CARS2):c.1537C>T (p.Arg513Trp)

Gene: CARS2 (cysteinyl-tRNA synthetase 2, mitochondrial; minus strand). Cytogenetic location: 13q34.
Variant type: single nucleotide variant.
Coding change: c.1537C>T on transcript NM_024537.4 (MANE Select); coding-DNA position 1537, C replaced by T.
Protein change: p.Arg513Trp; replaces arginine 513 with tryptophan.
Molecular consequence: missense variant. On other transcripts: non-coding transcript variant (2).
Genome position (GRCh38, 1-based): chr13:110,642,401, G>A on the plus strand (C>T on the coding strand, the complement: CARS2 is on the minus strand). VCF-style: chr13-110642401-G-A. GRCh37 (hg19) VCF-style: chr13-111294748-G-A.
Other names: c.751C>T, p.Arg251Trp (NM_001352252.2); c.1537C>T (NM_024537.2); short protein forms R513W, R251W.
Identifiers: ClinVar variation 567287 (VCV000567287.10), dbSNP rs143777330, ClinGen allele CA7051613.